The following is an entry in ClinVar:

NM_017755.6(NSUN2):c.1131G>A (p.Trp377Ter)

Gene: NSUN2 (NOP2/Sun RNA methyltransferase 2; minus strand). Cytogenetic location: 5p15.31.
Variant type: single nucleotide variant.
Coding change: c.1131G>A on transcript NM_017755.6 (MANE Select); coding-DNA position 1131, G replaced by A.
Protein change: p.Trp377Ter; replaces tryptophan 377 with a stop codon.
Molecular consequence: nonsense. On other transcripts: non-coding transcript variant (1).
Genome position (GRCh38, 1-based): chr5:6,611,050, C>T on the plus strand (G>A on the coding strand, the complement: NSUN2 is on the minus strand). VCF-style: chr5-6611050-C-T. GRCh37 (hg19) VCF-style: chr5-6611163-C-T.
Other names: c.1026G>A, p.Trp342Ter (NM_001193455.2); short protein forms W377*, W342*.
Identifiers: ClinVar variation 426340 (VCV000426340.8), dbSNP rs1085307575, ClinGen allele CA359121489.

ClinVar aggregate classification (germline): Pathogenic. Review status: criteria provided, multiple submitters, no conflicts (2 of 4 stars). 2 submissions from 2 submitters: Pathogenic (2). Last evaluated 2024-10-21.

Allele frequency attached by ClinVar (database versions not stated): gnomAD 0.00001; TOPMed 0.00003.
gnomAD v4.1: 2 of 1,613,986 alleles (0.00012%); highest among the groups gnomAD compares: African/African-American, 0.0013%; no homozygotes.

Submissions (2):

Labcorp Genetics (formerly Invitae), Labcorp
Classification: Pathogenic. Last evaluated: 2024-10-21. Review status: criteria provided, single submitter. Criteria: Invitae Variant Classification Sherloc (09022015). Collection method: clinical testing. Allele origin: germline.
Comment: This sequence change creates a premature translational stop signal (p.Trp377*) in the NSUN2 gene. It is expected to result in an absent or disrupted protein product. Loss-of-function variants in NSUN2 are known to be pathogenic (PMID: 22541559, 22577224). This variant is not present in population databases (gnomAD no frequency). This variant has not been reported in the literature in individuals affected with NSUN2-related conditions. ClinVar contains an entry for this variant (Variation ID: 426340). For these reasons, this variant has been classified as Pathogenic.

GeneDx
Classification: Pathogenic. Last evaluated: 2024-01-02. Review status: criteria provided, single submitter. Criteria: GeneDx Variant Classification Process June 2021. Collection method: clinical testing. Allele origin: germline. Affected: yes.
Comment: Nonsense variant predicted to result in protein truncation or nonsense mediated decay in a gene for which loss of function is a known mechanism of disease; Not observed at significant frequency in large population cohorts (gnomAD); Has not been previously published as pathogenic or benign to our knowledge

Literature cited by the submitters: PubMed 22541559 (cited by Labcorp Genetics (formerly Invitae), Labcorp); PubMed 22577224 (cited by Labcorp Genetics (formerly Invitae), Labcorp).